The following is an entry in ClinVar:

NM_001011.4(RPS7):c.-19+1G>T

Gene: RPS7 (ribosomal protein S7; plus strand). Cytogenetic location: 2p25.3.
Variant type: single nucleotide variant.
Coding change: c.-19+1G>T on transcript NM_001011.4 (MANE Select); the canonical splice donor site of the intron after 19 bases upstream of the start codon, G replaced by T.
Molecular consequence: splice donor variant.
Genome position (GRCh38, 1-based): chr2:3,575,351, G>T. VCF-style: chr2-3575351-G-T. GRCh37 (hg19) VCF-style: chr2-3622941-G-T.
Identifiers: ClinVar variation 2697321 (VCV002697321.3), dbSNP rs1064796859, ClinGen allele CA2573332077.
Genomic context (GRCh38, chr2:3,575,351, plus strand): 5'-GCCGGATTTTGACGTGCTCTCGCGAGATTTGGGTCTCTTCCTAAGCCGGCGCTCGGCAAG[G>T]TAGGTTGGCGGCCTGCTCTCCGACAGAACTTTTCTTCTTGGGTTGAGGAAAACGCCTTTT-3'

ClinVar aggregate classification (germline): Pathogenic (1 of 4 stars; one submission).

Conditions:
Diamond-Blackfan anemia 8 (DBA8). Also called: RPS7-Related Diamond-Blackfan Anemia. Identifiers: Orphanet 124, MedGen C2675511, MONDO:0012939, OMIM 612563.

Submission:

Labcorp Genetics (formerly Invitae), Labcorp
Classification: Pathogenic for Diamond-Blackfan anemia 8. Last evaluated: 2025-01-31. Review status: criteria provided, single submitter. Criteria: Invitae Variant Classification Sherloc (09022015). Collection method: clinical testing. Allele origin: germline.
Comment: This variant occurs in a non-coding region of the RPS7 gene. It does not change the encoded amino acid sequence of the RPS7 protein. RNA analysis indicates that this variant induces altered splicing and may result in an absent or altered protein product. This variant is not present in population databases (gnomAD no frequency). This variant has been observed in individual(s) with Diamond-Blackfan anemia (PMID: 25946618). It has also been observed to segregate with disease in related individuals. ClinVar contains an entry for this variant (Variation ID: 2697321). Studies have shown that this variant alters RPS7 gene expression (PMID: 36057918). Variants that disrupt the consensus splice site are a relatively common cause of aberrant splicing (PMID: 17576681, 9536098). Studies have shown that this variant results in the activation of cryptic splice sites and partial retention of the non-coding region in multiple RNA products, and produces a non-functional protein and/or introduces a premature termination codon (PMID: 36057918). For these reasons, this variant has been classified as Pathogenic.

Literature cited by the submitters: PubMed 25946618; PubMed 36057918; PubMed 17576681; PubMed 9536098.